The following is an entry in ClinVar:

NM_000245.4(MET):c.2864T>A (p.Leu955Gln)

Gene: MET (MET proto-oncogene, receptor tyrosine kinase; plus strand). Cytogenetic location: 7q31.2.
Variant type: single nucleotide variant.
Coding change: c.2864T>A on transcript NM_000245.4 (MANE Select); coding-DNA position 2864, T replaced by A.
Protein change: p.Leu955Gln; replaces leucine 955 with glutamine.
Molecular consequence: missense variant.
Genome position (GRCh38, 1-based): chr7:116,771,631, T>A. VCF-style: chr7-116771631-T-A. GRCh37 (hg19) VCF-style: chr7-116411685-T-A.
Other names: c.2918T>A (LRG_662t1); c.2918T>A, p.Leu973Gln (NM_001127500.3); c.1574T>A, p.Leu525Gln (NM_001324402.2); short protein forms L973Q, L525Q, L955Q.
Identifiers: ClinVar variation 246635 (VCV000246635.8), dbSNP rs879254335, ClinGen allele CA10584665.

ClinVar aggregate classification (germline): Uncertain significance. Review status: criteria provided, multiple submitters, no conflicts (2 of 4 stars). 2 submissions from 2 submitters: Uncertain significance (2). Last evaluated 2026-06-24.

Conditions:
Renal cell carcinoma. Identifiers: Orphanet 217071, MedGen C0007134, MeSH D002292, MONDO:0005086, HP:0005584.
Hereditary cancer-predisposing syndrome. Also called: Tumor predisposition; Neoplastic Syndromes, Hereditary; Hereditary Cancer Syndrome; Hereditary neoplastic syndrome. Identifiers: Orphanet 140162, MedGen C0027672, MeSH D009386, MONDO:0015356.

Submissions (2):

Ambry Genetics
Classification: Uncertain significance for Hereditary cancer-predisposing syndrome. Last evaluated: 2026-06-24. Review status: criteria provided, single submitter. Criteria: Ambry Variant Classification Scheme 2023. Collection method: clinical testing. Allele origin: germline.
Comment: The p.L973Q variant (also known as c.2918T>A), located in coding exon 12 of the MET gene, results from a T to A substitution at nucleotide position 2918. The leucine at codon 973 is replaced by glutamine, an amino acid with dissimilar properties. This amino acid position is not well conserved in available vertebrate species. In addition, the in silico prediction for this alteration is inconclusive. Based on the available evidence, the clinical significance of this variant remains unclear.

Labcorp Genetics (formerly Invitae), Labcorp
Classification: Uncertain significance for Renal cell carcinoma. Last evaluated: 2016-03-27. Review status: criteria provided, single submitter. Criteria: Invitae Variant Classification Sherloc (09022015). Collection method: clinical testing. Allele origin: germline.
Comment: In summary, this variant is a novel missense change with uncertain impact on protein function and splicing. It has been classified as a Variant of Uncertain Significance. Algorithms developed to predict the effect of missense changes on protein structure and function do not agree on the potential impact of this missense change (SIFT: "Deleterious"; PolyPhen-2: "Possibly Damaging"; Align-GVGD: "Class C0"). Algorithms developed to predict the effect of sequence changes on mRNA splicing suggest that this variant may alter mRNA splicing, but this prediction has not been confirmed by published transcriptional studies. This variant is not present in population databases (ExAC no frequency) and has not been reported in the literature in individuals with a MET-related disease. This sequence change replaces leucine with glutamine at codon 973 of the MET protein (p.Leu973Gln). The leucine residue is weakly conserved and there is a moderate physicochemical difference between leucine and glutamine.